The following is an entry in ClinVar:

ClinVar aggregate classification (germline): Uncertain significance (1 of 4 stars; one submission).

Conditions:
Severe combined immunodeficiency due to DNA-PKcs deficiency. Also called: IMMUNODEFICIENCY 26 WITH NEUROLOGIC ABNORMALITIES; Immunodeficiency 26 with or without neurologic abnormalities. Identifiers: Orphanet 317425, MedGen C4014833, MONDO:0014423, OMIM 615966.

gnomAD v4.1: 5 of 1,613,848 alleles (0.00031%); highest among the groups gnomAD compares: Non-Finnish European, 0.00042%; no homozygotes.

Submission:

Labcorp Genetics (formerly Invitae), Labcorp
Classification: Uncertain significance for Severe combined immunodeficiency due to DNA-PKcs deficiency. Last evaluated: 2024-02-16. Review status: criteria provided, single submitter. Criteria: Invitae Variant Classification Sherloc (09022015). Collection method: clinical testing. Allele origin: germline.
Comment: This sequence change replaces threonine, which is neutral and polar, with isoleucine, which is neutral and non-polar, at codon 1056 of the PRKDC protein (p.Thr1056Ile). This variant is not present in population databases (gnomAD no frequency). This variant has not been reported in the literature in individuals affected with PRKDC-related conditions. Advanced modeling of protein sequence and biophysical properties (such as structural, functional, and spatial information, amino acid conservation, physicochemical variation, residue mobility, and thermodynamic stability) performed at Invitae indicates that this missense variant is not expected to disrupt PRKDC protein function with a negative predictive value of 80%. In summary, the available evidence is currently insufficient to determine the role of this variant in disease. Therefore, it has been classified as a Variant of Uncertain Significance.

NM_006904.7(PRKDC):c.3167C>T (p.Thr1056Ile)

Gene: PRKDC (protein kinase, DNA-activated, catalytic subunit; minus strand). Cytogenetic location: 8q11.21.
Variant type: single nucleotide variant.
Coding change: c.3167C>T on transcript NM_006904.7 (MANE Select); coding-DNA position 3167, C replaced by T.
Protein change: p.Thr1056Ile; replaces threonine 1056 with isoleucine.
Molecular consequence: missense variant.
Genome position (GRCh38, 1-based): chr8:47,902,671, G>A on the plus strand (C>T on the coding strand, the complement: PRKDC is on the minus strand). VCF-style: chr8-47902671-G-A. GRCh37 (hg19) VCF-style: chr8-48815231-G-A.
Other names: c.3167C>T, p.Thr1056Ile (NM_001081640.2); short protein forms T1056I.
Identifiers: ClinVar variation 3718764 (VCV003718764.2).